The following is an entry in ClinVar:

NM_000256.3(MYBPC3):c.2401C>T (p.Gln801Ter)

Gene: MYBPC3 (myosin binding protein C3; minus strand). Cytogenetic location: 11p11.2.
Variant type: single nucleotide variant.
Coding change: c.2401C>T on transcript NM_000256.3 (MANE Select); coding-DNA position 2401, C replaced by T.
Protein change: p.Gln801Ter; replaces glutamine 801 with a stop codon.
Molecular consequence: nonsense.
Genome position (GRCh38, 1-based): chr11:47,337,702, G>A on the plus strand (C>T on the coding strand, the complement: MYBPC3 is on the minus strand). VCF-style: chr11-47337702-G-A. GRCh37 (hg19) VCF-style: chr11-47359253-G-A.
Other names: short protein forms Q801*.
Identifiers: ClinVar variation 3400414 (VCV003400414.2).

ClinVar aggregate classification (germline): Pathogenic. Review status: criteria provided, single submitter (1 of 4 stars). 2 submissions from 2 submitters: Pathogenic (1). 1 of the submissions does not count toward it. Last evaluated 2024-08-22.

Conditions:
Cardiovascular phenotype. Identifiers: MedGen CN230736.
Hypertrophic cardiomyopathy 4. Also called: Familial hypertrophic cardiomyopathy 4. Identifiers: MedGen C1861862, MONDO:0007268, OMIM 115197.

Submissions (2):

Ambry Genetics
Classification: Pathogenic for Cardiovascular phenotype. Last evaluated: 2024-08-22. Review status: criteria provided, single submitter. Criteria: Ambry Variant Classification Scheme 2023. Collection method: clinical testing. Allele origin: germline.
Comment: The p.Q801* pathogenic mutation (also known as c.2401C>T), located in coding exon 24 of the MYBPC3 gene, results from a C to T substitution at nucleotide position 2401. This changes the amino acid from a glutamine to a stop codon within coding exon 24. This variant is considered to be rare based on population cohorts in the Genome Aggregation Database (gnomAD). This alteration is expected to result in loss of function by premature protein truncation or nonsense-mediated mRNA decay. As such, this alteration is interpreted as a disease-causing mutation.

Center for Human Genetics and Genomic Medicine, Uniklinik Rwth Aachen
Classification: Pathogenic for Hypertrophic cardiomyopathy 4. Last evaluated: 2025-07-07. Review status: no assertion criteria provided. Collection method: clinical testing. Allele origin: germline. Inheritance: Autosomal dominant inheritance. Affected: yes. Observed: 1 heterozygote. Not counted in ClinVar's aggregate classification.
Comment: Truncating variants in MYBPC3 are considered disease-causing. PVS1, PM2_sup, PP4